The following is an entry in ClinVar:

ClinVar aggregate classification (germline): Pathogenic (1 of 4 stars; one submission).

Conditions:
Hereditary cancer-predisposing syndrome. Also called: Neoplastic Syndromes, Hereditary; Tumor predisposition; Hereditary Cancer Syndrome; Hereditary neoplastic syndrome. Identifiers: Orphanet 140162, MedGen C0027672, MeSH D009386, MONDO:0015356.

Submission:

Ambry Genetics
Classification: Pathogenic for Hereditary cancer-predisposing syndrome. Last evaluated: 2025-10-28. Review status: criteria provided, single submitter. Criteria: Ambry Variant Classification Scheme 2023. Collection method: clinical testing. Allele origin: germline.
Comment: The p.M1? pathogenic mutation (also known as c.1A>C) is located in coding exon 1 of the CDC73 gene and results from a A to C substitution at nucleotide position 1. This alters the methionine residue at the initiation codon (ATG). Sequence variations that modify the initiation codon are expected to result in either loss of translation initiation, N-terminal truncation, or cause a shift in the mRNA reading frame. This nucleotide position is highly conserved in available vertebrate species. This variant is considered to be rare based on population cohorts in the Genome Aggregation Database (gnomAD). Based on the supporting evidence, this variant is interpreted as a disease-causing mutation.

NM_024529.5(CDC73):c.1A>C (p.Met1Leu)

Gene: CDC73 (cell division cycle 73; plus strand). Cytogenetic location: 1q31.2.
Variant type: single nucleotide variant.
Coding change: c.1A>C on transcript NM_024529.5 (MANE Select); coding-DNA position 1, A replaced by C.
Protein change: p.Met1Leu; changes the start codon (methionine 1).
Molecular consequence: missense variant, initiator codon variant.
Genome position (GRCh38, 1-based): chr1:193,122,201, A>C. VCF-style: chr1-193122201-A-C. GRCh37 (hg19) VCF-style: chr1-193091331-A-C.
Other names: short protein forms M1L.
Identifiers: ClinVar variation 4631574 (VCV004631574.1).